The following is an entry in ClinVar:

NM_000744.7(CHRNA4):c.1359C>T (p.His453=)

Gene: CHRNA4 (cholinergic receptor nicotinic alpha 4 subunit; minus strand). Cytogenetic location: 20q13.33.
Variant type: single nucleotide variant.
Coding change: c.1359C>T on transcript NM_000744.7 (MANE Select); coding-DNA position 1359, C replaced by T.
Protein change: p.His453=; no amino-acid change (histidine 453 retained).
Molecular consequence: synonymous variant. On other transcripts: non-coding transcript variant (1).
Genome position (GRCh38, 1-based): chr20:63,350,052, G>A on the plus strand (C>T on the coding strand, the complement: CHRNA4 is on the minus strand). VCF-style: chr20-63350052-G-A. GRCh37 (hg19) VCF-style: chr20-61981404-G-A.
Other names: p.H453H:CAC>CAT; c.831C>T, p.His277= (NM_001256573.2).
Identifiers: ClinVar variation 98314 (VCV000098314.11), dbSNP rs121912276, ClinGen allele CA150408.
Genomic context (GRCh38, chr20:63,350,052, plus strand): 5'-GCTGGACATGTGCTGGACGCTGAGGGACCTGGCTTTGGCCAGCCCTGGTGCCTGGGTGCC[G>A]TGGGGCGGGCGGCAGGGTCCAGGCGAGGGGTGGGGGCTGGCTTTCTCAGCTTCCAGGGGC-3'
Protein context (NP_000735.1, residues 443-463): HPSPGPCRPP[His453=]GTQAPGLAKA

ClinVar aggregate classification (germline): Benign/Likely benign. Review status: criteria provided, multiple submitters, no conflicts (2 of 4 stars). 3 submissions from 3 submitters: Benign (1); Likely benign (1). 1 of the submissions does not count toward it. Last evaluated 2025-12-05.

Conditions:
Tobacco use disorder. Identifiers: MedGen C0040336.
Familial sleep-related hypermotor epilepsy. Also called: Autosomal Dominant Sleep-Related Hypermotor (Hyperkinetic) Epilepsy. Identifiers: Orphanet 98784, MedGen C3696898, MONDO:0000030.

Allele frequency attached by ClinVar (database versions not stated): gnomAD exomes 0.00010; gnomAD 0.00009 and 0.00007; TOPMed 0.00009; ExAC 0.00053.
gnomAD v4.1: 47 of 1,512,986 alleles (0.0031%); highest among the groups gnomAD compares: African/African-American, 0.021%; no homozygotes.

Submissions (3):

Labcorp Genetics (formerly Invitae), Labcorp
Classification: Likely benign. Last evaluated: 2025-12-05. Review status: criteria provided, single submitter. Criteria: Invitae Variant Classification Sherloc (09022015). Collection method: clinical testing. Allele origin: germline.

GeneDx
Classification: Benign. Last evaluated: 2013-10-23. Review status: criteria provided, single submitter. Criteria: GeneDx Variant Classification (06012015). Collection method: clinical testing. Allele origin: germline. Affected: yes.
Comment: This variant is considered likely benign or benign based on one or more of the following criteria: it is a conservative change, it occurs at a poorly conserved position in the protein, it is predicted to be benign by multiple in silico algorithms, and/or has population frequency not consistent with disease.

Psychiatry Genetics Yale University
No classification provided. Review status: no classification provided. Collection method: not provided. Allele origin: somatic. Not counted in ClinVar's aggregate classification.